The following is an entry in ClinVar:

NM_016292.3(TRAP1):c.992A>G (p.Tyr331Cys)

Gene: TRAP1 (TNF receptor associated protein 1; minus strand). Cytogenetic location: 16p13.3.
Variant type: single nucleotide variant.
Coding change: c.992A>G on transcript NM_016292.3 (MANE Select); coding-DNA position 992, A replaced by G.
Protein change: p.Tyr331Cys; replaces tyrosine 331 with cysteine.
Molecular consequence: missense variant.
Genome position (GRCh38, 1-based): chr16:3,674,391, T>C on the plus strand (A>G on the coding strand, the complement: TRAP1 is on the minus strand). VCF-style: chr16-3674391-T-C. GRCh37 (hg19) VCF-style: chr16-3724392-T-C.
Other names: c.833A>G, p.Tyr278Cys (NM_001272049.2); short protein forms Y278C, Y331C.
Identifiers: ClinVar variation 4697812 (VCV004697812.1).

ClinVar aggregate classification (germline): Uncertain significance (1 of 4 stars; one submission).

gnomAD v4.1: 21 of 1,613,984 alleles (0.0013%); highest among the groups gnomAD compares: Admixed American, 0.0033%; no homozygotes.

Submission:

Labcorp Genetics (formerly Invitae), Labcorp
Classification: Uncertain significance. Last evaluated: 2025-10-19. Review status: criteria provided, single submitter. Criteria: Invitae Variant Classification Sherloc (09022015). Collection method: clinical testing. Allele origin: germline.
Comment: This sequence change replaces tyrosine, which is neutral and polar, with cysteine, which is neutral and slightly polar, at codon 331 of the TRAP1 protein (p.Tyr331Cys). This variant is present in population databases (no rsID available, gnomAD 0.003%). This variant has not been reported in the literature in individuals affected with TRAP1-related conditions. Invitae Evidence Modeling of protein sequence and biophysical properties (such as structural, functional, and spatial information, amino acid conservation, physicochemical variation, residue mobility, and thermodynamic stability) indicates that this missense variant is expected to disrupt TRAP1 protein function with a positive predictive value of 80%. In summary, the available evidence is currently insufficient to determine the role of this variant in disease. Therefore, it has been classified as a Variant of Uncertain Significance.